The following is an entry in ClinVar:

NM_000255.4(MMUT):c.1357G>A (p.Gly453Ser)

Gene: MMUT (methylmalonyl-CoA mutase; minus strand). Cytogenetic location: 6p12.3.
Variant type: single nucleotide variant.
Coding change: c.1357G>A on transcript NM_000255.4 (MANE Select); coding-DNA position 1357, G replaced by A.
Protein change: p.Gly453Ser; replaces glycine 453 with serine.
Molecular consequence: missense variant.
Genome position (GRCh38, 1-based): chr6:49,448,903, C>T on the plus strand (G>A on the coding strand, the complement: MMUT is on the minus strand). VCF-style: chr6-49448903-C-T. GRCh37 (hg19) VCF-style: chr6-49416616-C-T.
Other names: short protein forms G453S.
Identifiers: ClinVar variation 618733 (VCV000618733.8), dbSNP rs1022821298, ClinGen allele CA138795920.

ClinVar aggregate classification (germline): Uncertain significance (1 of 4 stars; one submission).

Allele frequency attached by ClinVar (database versions not stated): TOPMed below 0.00001; gnomAD 0.00001.
gnomAD v4.1: 1 of 1,612,644 alleles (0.000062%); highest among the groups gnomAD compares: Non-Finnish European, 0.000085%; no homozygotes.

Submission:

ARUP Laboratories, Molecular Genetics and Genomics, ARUP Laboratories
Classification: Uncertain significance. Last evaluated: 2018-05-05. Review status: criteria provided, single submitter. Criteria: ARUP Molecular Germline Variant Investigation Process. Collection method: clinical testing. Allele origin: germline.
Comment: The p.Gly453Ser variant (rs1022821298) has not been reported in the medical literature, gene specific variation databases, nor has it been previously identified by our laboratory. It is absent from general population databases such as 1000 Genomes, NHLBI GO Exome Sequencing Project (ESP), and the Genome Aggregation Database (gnomAD). The glycine at position 453 is highly conserved up to C. elegans (Alamut v2.11) and computational analyses of the p.Gly453Ser variant on protein structure and function indicates a deleterious effect (SIFT: damaging, PolyPhen-2: probably damaging). Altogether, there is not enough evidence to classify the p.Gly453Ser variant with certainty.